The following is an entry in ClinVar:

NM_000245.4(MET):c.2906T>C (p.Val969Ala)

Gene: MET (MET proto-oncogene, receptor tyrosine kinase; plus strand). Cytogenetic location: 7q31.2.
Variant type: single nucleotide variant.
Coding change: c.2906T>C on transcript NM_000245.4 (MANE Select); coding-DNA position 2906, T replaced by C.
Protein change: p.Val969Ala; replaces valine 969 with alanine.
Molecular consequence: missense variant.
Genome position (GRCh38, 1-based): chr7:116,771,867, T>C. VCF-style: chr7-116771867-T-C. GRCh37 (hg19) VCF-style: chr7-116411921-T-C.
Other names: c.2960T>C, p.Val987Ala (NM_001127500.3); c.1616T>C, p.Val539Ala (NM_001324402.2); short protein forms V539A, V969A, V987A.
Identifiers: ClinVar variation 2974061 (VCV002974061.4), dbSNP rs2116996037, ClinGen allele CA368986975.

ClinVar aggregate classification (germline): Uncertain significance. Review status: criteria provided, multiple submitters, no conflicts (2 of 4 stars). 2 submissions from 2 submitters: Uncertain significance (2). Last evaluated 2024-03-04.

Conditions:
Renal cell carcinoma. Identifiers: Orphanet 217071, MedGen C0007134, MeSH D002292, MONDO:0005086, HP:0005584.

Allele frequency attached by ClinVar (database versions not stated): gnomAD exomes below 0.00001.
gnomAD v4.1: 1 of 1,613,868 alleles (0.000062%); highest among the groups gnomAD compares: South Asian, 0.0011%; no homozygotes.

Submissions (2):

GeneDx
Classification: Uncertain significance. Last evaluated: 2024-03-04. Review status: criteria provided, single submitter. Criteria: GeneDx Variant Classification Process June 2021. Collection method: clinical testing. Allele origin: germline. Affected: yes.
Comment: Not observed at significant frequency in large population cohorts (gnomAD); In silico analysis supports that this missense variant does not alter protein structure/function; Has not been previously published as pathogenic or benign to our knowledge

Labcorp Genetics (formerly Invitae), Labcorp
Classification: Uncertain significance for Renal cell carcinoma. Last evaluated: 2022-12-10. Review status: criteria provided, single submitter. Criteria: Invitae Variant Classification Sherloc (09022015). Collection method: clinical testing. Allele origin: germline.
Comment: In summary, the available evidence is currently insufficient to determine the role of this variant in disease. Therefore, it has been classified as a Variant of Uncertain Significance. Algorithms developed to predict the effect of missense changes on protein structure and function are either unavailable or do not agree on the potential impact of this missense change (SIFT: "Deleterious"; PolyPhen-2: "Probably Damaging"; Align-GVGD: "Class C0"). This variant has not been reported in the literature in individuals affected with MET-related conditions. This variant is not present in population databases (gnomAD no frequency). This sequence change replaces valine, which is neutral and non-polar, with alanine, which is neutral and non-polar, at codon 987 of the MET protein (p.Val987Ala).